The following is an entry in ClinVar:

ClinVar aggregate classification (germline): Uncertain significance (1 of 4 stars; one submission).

Submission:

Mayo Clinic Laboratories, Mayo Clinic
Classification: Uncertain significance. Last evaluated: 2023-06-16. Review status: criteria provided, single submitter. Criteria: ACMG Guidelines, 2015. Collection method: clinical testing. Allele origin: germline. Observed: 1 variant allele.
Comment: BP4, PM2_supporting

NM_004370.6(COL12A1):c.6308A>G (p.Asp2103Gly)

Gene: COL12A1 (collagen type XII alpha 1 chain; minus strand). Cytogenetic location: 6q13.
Variant type: single nucleotide variant.
Coding change: c.6308A>G on transcript NM_004370.6 (MANE Select); coding-DNA position 6308, A replaced by G.
Protein change: p.Asp2103Gly; replaces aspartic acid 2103 with glycine.
Molecular consequence: missense variant.
Genome position (GRCh38, 1-based): chr6:75,128,328, T>C on the plus strand (A>G on the coding strand, the complement: COL12A1 is on the minus strand). VCF-style: chr6-75128328-T-C. GRCh37 (hg19) VCF-style: chr6-75838044-T-C.
Other names: p.Asp2103Gly; c.6308A>G, p.Asp2103Gly (NM_001424113.1); c.6287A>G, p.Asp2096Gly (NM_001424114.1); c.6035A>G, p.Asp2012Gly (NM_001424115.1); c.2816A>G, p.Asp939Gly (NM_001424116.1, NM_080645.3); short protein forms D2012G, D2096G, D2103G, D939G.
Identifiers: ClinVar variation 2682936 (VCV002682936.1), dbSNP rs2533254740, ClinGen allele CA364730338.
Genomic context (GRCh38, chr6:75,128,328, plus strand): 5'-AATAAAAGGGGGAGTACAAAACACTTACCAGTTCTTCCATTTCCTGTTAGATGGCCACCA[T>C]CTCCATCTTCATAAACAGCAATAACAGTAATTTTATATGGAGTGTCAGGTTGCAGGGGCT-3'
Protein context (NP_004361.3, residues 2093-2113): ITVIAVYEDG[Asp2103Gly]GGHLTGNGRT